The following is an entry in ClinVar:

ClinVar aggregate classification (germline): Uncertain significance (1 of 4 stars; one submission).

Submission:

Ambry Genetics
Classification: Uncertain significance. Last evaluated: 2021-08-24. Review status: criteria provided, single submitter. Criteria: Ambry Variant Classification Scheme 2023. Collection method: clinical testing. Allele origin: germline.
Comment: The p.K1056E variant (also known as c.3166A>G), located in coding exon 25 of the BUB1 gene, results from an A to G substitution at nucleotide position 3166. The lysine at codon 1056 is replaced by glutamic acid, an amino acid with similar properties. This amino acid position is conserved. In addition, this alteration is predicted to be tolerated by in silico analysis. Since supporting evidence is limited at this time, the clinical significance of this alteration remains unclear.

NM_004336.5(BUB1):c.3166A>G (p.Lys1056Glu)

Gene: BUB1 (BUB1 mitotic checkpoint serine/threonine kinase; minus strand). Cytogenetic location: 2q13.
Variant type: single nucleotide variant.
Coding change: c.3166A>G on transcript NM_004336.5 (MANE Select); coding-DNA position 3166, A replaced by G.
Protein change: p.Lys1056Glu; replaces lysine 1056 with glutamic acid.
Molecular consequence: missense variant.
Genome position (GRCh38, 1-based): chr2:110,638,056, T>C on the plus strand (A>G on the coding strand, the complement: BUB1 is on the minus strand). VCF-style: chr2-110638056-T-C. GRCh37 (hg19) VCF-style: chr2-111395633-T-C.
Other names: c.3106A>G, p.Lys1036Glu (NM_001278616.2); c.2995A>G, p.Lys999Glu (NM_001278617.2); short protein forms K1056E, K1036E, K999E.
Identifiers: ClinVar variation 1728368 (VCV001728368.2), dbSNP rs767456937, ClinGen allele CA348088399.